The following is an entry in ClinVar:

NM_004168.4(SDHA):c.1968C>G (p.Thr656=)

Gene: SDHA (succinate dehydrogenase complex flavoprotein subunit A; plus strand). Cytogenetic location: 5p15.33.
Variant type: single nucleotide variant.
Coding change: c.1968C>G on transcript NM_004168.4 (MANE Select); coding-DNA position 1968, C replaced by G.
Protein change: p.Thr656=; no amino-acid change (threonine 656 retained).
Molecular consequence: synonymous variant.
Genome position (GRCh38, 1-based): chr5:256,393, C>G. VCF-style: chr5-256393-C-G. GRCh37 (hg19) VCF-style: chr5-256508-C-G.
Other names: c.1824C>G, p.Thr608= (NM_001294332.2); c.1725C>G, p.Thr575= (NM_001330758.2).
Identifiers: ClinVar variation 3751404 (VCV003751404.3).
Genomic context (GRCh38, chr5:256,393, plus strand): 5'-GGTCACTCTGGAATATAGACCCGTGATCGACAAAACTTTGAACGAGGCTGACTGTGCCAC[C>G]GTCCCGCCAGCCATTCGCTCCTACTGATGAGACAAGATGTGGTGATGACAGAATCAGCTT-3'
Protein context (NP_004159.2, residues 646-664): DKTLNEADCA[Thr656=]VPPAIRSY

ClinVar aggregate classification (germline): Benign/Likely benign. Review status: criteria provided, multiple submitters, no conflicts (2 of 4 stars). 2 submissions from 2 submitters: Benign (1); Likely benign (1). Last evaluated 2025-03-11.

Conditions:
Mitochondrial complex II deficiency, nuclear type 1. Also called: SUCCINATE CoQ REDUCTASE DEFICIENCY. Identifiers: Orphanet 3208, MedGen C5700310, MONDO:0100294, OMIM 252011.
Pheochromocytoma/paraganglioma syndrome 5. Also called: Paragangliomas 5; SDHA-Related Hereditary Paraganglioma-Pheochromocytoma Syndrome. Identifiers: Orphanet 29072, MedGen C3279992, MONDO:0013602, OMIM 614165.

gnomAD v4.1: 1 of 1,609,278 alleles (0.000062%); highest among the groups gnomAD compares: Non-Finnish European, 0.000085%; no homozygotes.

Submissions (2):

Myriad Genetics, Inc.
Classification: Benign for Pheochromocytoma/paraganglioma syndrome 5. Last evaluated: 2025-03-11. Review status: criteria provided, single submitter. Criteria: Myriad Autosomal Dominant, Autosomal Recessive and X-Linked Classification Criteria (2023). Collection method: clinical testing. Allele origin: unknown.
Comment: This variant is considered benign. This variant is a silent/synonymous amino acid change and it is not expected to impact splicing.

Labcorp Genetics (formerly Invitae), Labcorp
Classification: Likely benign for Pheochromocytoma/paraganglioma syndrome 5; Mitochondrial complex II deficiency, nuclear type 1. Last evaluated: 2024-04-14. Review status: criteria provided, single submitter. Criteria: Invitae Variant Classification Sherloc (09022015). Collection method: clinical testing. Allele origin: germline.